The following is an entry in ClinVar:

NM_001195553.2(DCX):c.946G>A (p.Ala316Thr)

Gene: DCX (doublecortin; minus strand). Cytogenetic location: Xq23.
Variant type: single nucleotide variant.
Coding change: c.946G>A on transcript NM_001195553.2 (MANE Select); coding-DNA position 946, G replaced by A.
Protein change: p.Ala316Thr; replaces alanine 316 with threonine.
Molecular consequence: missense variant. On other transcripts: intron variant (6).
Genome position (GRCh38, 1-based): chrX:111,330,904, C>T on the plus strand (G>A on the coding strand, the complement: DCX is on the minus strand). VCF-style: chrX-111330904-C-T. GRCh37 (hg19) VCF-style: chrX-110574132-C-T.
Other names: NC_000023.10:g.110574132C>T; c.946G>A, p.Ala316Thr (NM_001369370.1, NM_001369371.1, NM_178152.3); c.946G>A, p.Gly316Arg (NM_001410715.1); c.931+15G>A (NM_001369373.1, NM_178153.3, NM_001369372.1 and 2 more transcripts); c.1174+15G>A (NM_000555.3); short protein forms A316T, G316R.
Identifiers: ClinVar variation 4464666 (VCV004464666.3).
Genomic context (GRCh38, chrX:111,330,904, plus strand): 5'-CAGAAAGTATTGTCCTCCATAAATGAAGTCAGCGTGCACAGTTAGGAAAAGAGCACTCAC[C>T]GTCTTGGTCGTTACCTGAGTCAGCTGGAGACTTGCTTCGGCGCATAGGACCAGGGCTCTT-3'
Protein context (NP_001182482.1, residues 306-326): SPADSGNDQD[Ala316Thr]NGTSSSQLST

ClinVar aggregate classification (germline): Uncertain significance (1 of 4 stars; one submission).

Conditions:
Lissencephaly type 1 due to doublecortin gene mutation. Also called: LISSENCEPHALY, X-LINKED, 1; LISSENCEPHALY AND AGENESIS OF CORPUS CALLOSUM. Identifiers: Orphanet 2148, MedGen C4551968, MONDO:0010239, OMIM 300067.

gnomAD v4.1: 9 of 1,209,935 alleles (0.00074%); highest among the groups gnomAD compares: Admixed American, 0.0044%; no homozygotes.

Submissions (2):

Juno Genomics, Hangzhou Juno Genomics, Inc
Classification: Uncertain significance for Lissencephaly type 1 due to doublecortin gene mutation. Review status: criteria provided, single submitter. Criteria: ACMG Guidelines, 2015. Collection method: clinical testing. Allele origin: germline.
Comment: Absent from controls (or at extremely low frequency if recessive) in Genome Aggregation Database.;Multiple lines of computational evidence support a deleterious effect on the gene or gene product.

Dr. Peter K. Rogan Lab, Western University
No classification provided (evidence only). Condition: Thyroid cancer, nonmedullary, 1. Review status: no classification provided. Collection method: in vitro. Allele origin: not applicable. Functional consequence: retained intron. Not counted in ClinVar's aggregate classification.